The following is an entry in ClinVar:

ClinVar aggregate classification (germline): Uncertain significance (1 of 4 stars; one submission).

Allele frequency attached by ClinVar (database versions not stated): gnomAD exomes below 0.00001.
gnomAD v4.1: 2 of 1,614,130 alleles (0.00012%); highest among the groups gnomAD compares: Non-Finnish European, 0.00017%; no homozygotes.

Submission:

CeGaT Center for Human Genetics Tuebingen
Classification: Uncertain significance. Last evaluated: 2022-05-01. Review status: criteria provided, single submitter. Criteria: CeGaT Center For Human Genetics Tuebingen Variant Classification Criteria Version 2. Collection method: clinical testing. Allele origin: germline. Affected: yes. Observed: 1 variant allele.
Comment: ERCC6: PM2, PP3

NM_000124.4(ERCC6):c.2794T>A (p.Tyr932Asn)

Genes: ERCC6 (ERCC excision repair 6, chromatin remodeling factor; minus strand), LOC126860933 (BRD4-independent group 4 enhancer GRCh37_chr10:50679962-50681161; plus strand). Cytogenetic location: 10q11.23.
Variant type: single nucleotide variant.
Coding change: c.2794T>A on transcript NM_000124.4 (MANE Select); coding-DNA position 2794, T replaced by A.
Protein change: p.Tyr932Asn; replaces tyrosine 932 with asparagine.
Molecular consequence: missense variant.
Genome position (GRCh38, 1-based): chr10:49,472,944, A>T on the plus strand (T>A on the coding strand, the complement: ERCC6 is on the minus strand). VCF-style: chr10-49472944-A-T. GRCh37 (hg19) VCF-style: chr10-50680990-A-T.
Other names: c.2794T>A, p.Tyr932Asn (NM_001346440.2); short protein forms Y932N.
Identifiers: ClinVar variation 2640451 (VCV002640451.24), dbSNP rs2495980585, ClinGen allele CA376719147.